The following is an entry in ClinVar:

ClinVar aggregate classification (germline): Likely benign. Review status: criteria provided, multiple submitters, no conflicts (2 of 4 stars). 2 submissions from 2 submitters: Likely benign (2). Last evaluated 2023-09-17.

Conditions:
Long QT syndrome (LQTS). Identifiers: MedGen C0023976, MeSH D008133, MONDO:0002442. Disease mechanism: loss of function. Inheritance: Various modes of inheritance.

Allele frequency attached by ClinVar (database versions not stated): TOPMed below 0.00001; gnomAD 0.00001.

Submissions (2):

All of Us Research Program, National Institutes of Health
Classification: Likely benign for Long QT syndrome. Last evaluated: 2023-09-17. Review status: criteria provided, single submitter. Criteria: ACMG Guidelines, 2015. Collection method: clinical testing. Allele origin: germline. Inheritance: Autosomal dominant inheritance. Observed: 1 variant allele, 1 heterozygote.
Comment: This study involves interpretation of variants in research participants for the purpose of population health screening. Participant phenotype was not available at the time of variant classification. Additional details can be found in publication PMID: 35346344, PMCID: PMC8962531

Labcorp Genetics (formerly Invitae), Labcorp
Classification: Likely benign for Long QT syndrome. Last evaluated: 2023-08-18. Review status: criteria provided, single submitter. Criteria: Invitae Variant Classification Sherloc (09022015). Collection method: clinical testing. Allele origin: germline.

NM_000238.4(KCNH2):c.1227G>C (p.Val409=)

Gene: KCNH2 (potassium voltage-gated channel subfamily H member 2; minus strand). Cytogenetic location: 7q36.1.
Variant type: single nucleotide variant.
Coding change: c.1227G>C on transcript NM_000238.4 (MANE Select); coding-DNA position 1227, G replaced by C.
Protein change: p.Val409=; no amino-acid change (valine 409 retained).
Molecular consequence: synonymous variant. On other transcripts: non-coding transcript variant (2).
Genome position (GRCh38, 1-based): chr7:150,952,755, C>G on the plus strand (G>C on the coding strand, the complement: KCNH2 is on the minus strand). VCF-style: chr7-150952755-C-G. GRCh37 (hg19) VCF-style: chr7-150649843-C-G.
Other names: c.207G>C, p.Val69= (NM_001204798.2, NM_172057.3); c.939G>C, p.Val313= (NM_001406753.1, NM_001406756.1); c.1050G>C, p.Val350= (NM_001406755.1); c.927G>C, p.Val309= (NM_001406757.1); c.1227G>C, p.Val409= (NM_172056.3).
Identifiers: ClinVar variation 2882279 (VCV002882279.4), dbSNP rs1801230536, ClinGen allele CA458645722.